The following is an entry in ClinVar:

NM_004304.5(ALK):c.1361C>A (p.Ala454Asp)

Gene: ALK (ALK receptor tyrosine kinase; minus strand). Cytogenetic location: 2p23.2.
Variant type: single nucleotide variant.
Coding change: c.1361C>A on transcript NM_004304.5 (MANE Select); coding-DNA position 1361, C replaced by A.
Protein change: p.Ala454Asp; replaces alanine 454 with aspartic acid.
Molecular consequence: missense variant.
Genome position (GRCh38, 1-based): chr2:29,328,403, G>T on the plus strand (C>A on the coding strand, the complement: ALK is on the minus strand). VCF-style: chr2-29328403-G-T. GRCh37 (hg19) VCF-style: chr2-29551269-G-T.
Other names: short protein forms A454D.
Identifiers: ClinVar variation 5035606 (VCV005035606.1).
Genomic context (GRCh38, chr2:29,328,403, plus strand): 5'-TACTCACGGCACATCTGGCTCTCATCTTCTCCCTGGGCACAGTCCTGGTGGAAGTCACAG[G>T]CCTGCCCAAGCTGGAGGACTGTCCCATTCCAACAAGTGAAGGAGCTCTGCAGGGCCATCT-3'
Protein context (NP_004295.2, residues 444-464): WNGTVLQLGQ[Ala454Asp]CDFHQDCAQG

ClinVar aggregate classification (germline): Uncertain significance (1 of 4 stars; one submission).

Conditions:
Hereditary cancer-predisposing syndrome. Also called: Hereditary Cancer Syndrome; Neoplastic Syndromes, Hereditary; Tumor predisposition; Hereditary neoplastic syndrome. Identifiers: Orphanet 140162, MedGen C0027672, MeSH D009386, MONDO:0015356.

Submission:

Ambry Genetics
Classification: Uncertain significance for Hereditary cancer-predisposing syndrome. Last evaluated: 2026-08-23. Review status: criteria provided, single submitter. Criteria: Ambry Variant Classification Scheme 2023. Collection method: clinical testing. Allele origin: germline.
Comment: The p.A454D variant (also known as c.1361C>A), located in coding exon 6 of the ALK gene, results from a C to A substitution at nucleotide position 1361. The alanine at codon 454 is replaced by aspartic acid, an amino acid with dissimilar properties. This amino acid position is conserved. In addition, this alteration is predicted to be deleterious by in silico analysis. Based on the available evidence, the clinical significance of this variant remains unclear.